The following is an entry in ClinVar:

NM_018896.5(CACNA1G):c.2395C>G (p.Pro799Ala)

Gene: CACNA1G (calcium voltage-gated channel subunit alpha1 G; plus strand). Cytogenetic location: 17q21.33.
Variant type: single nucleotide variant.
Coding change: c.2395C>G on transcript NM_018896.5 (MANE Select); coding-DNA position 2395, C replaced by G.
Protein change: p.Pro799Ala; replaces proline 799 with alanine.
Molecular consequence: missense variant. On other transcripts: non-coding transcript variant (5).
Genome position (GRCh38, 1-based): chr17:50,590,564, C>G. VCF-style: chr17-50590564-C-G. GRCh37 (hg19) VCF-style: chr17-48667925-C-G.
Other names: c.2395C>G, p.Pro799Ala (NM_001256324.2, NM_001256325.2, NM_001256326.2 and 24 more transcripts); short protein forms P799A.
Identifiers: ClinVar variation 1961209 (VCV001961209.5), dbSNP rs758431822, ClinGen allele CA8652403.

ClinVar aggregate classification (germline): Uncertain significance (1 of 4 stars; one submission).

Allele frequency attached by ClinVar (database versions not stated): TOPMed below 0.00001; ExAC 0.00001.
gnomAD v4.1: 1 of 1,613,806 alleles (0.000062%); no homozygotes.

Submission:

Labcorp Genetics (formerly Invitae), Labcorp
Classification: Uncertain significance. Last evaluated: 2024-01-25. Review status: criteria provided, single submitter. Criteria: Invitae Variant Classification Sherloc (09022015). Collection method: clinical testing. Allele origin: germline.
Comment: This sequence change replaces proline, which is neutral and non-polar, with alanine, which is neutral and non-polar, at codon 799 of the CACNA1G protein (p.Pro799Ala). This variant is present in population databases (rs758431822, gnomAD 0.01%). This variant has not been reported in the literature in individuals affected with CACNA1G-related conditions. ClinVar contains an entry for this variant (Variation ID: 1961209). Advanced modeling of protein sequence and biophysical properties (such as structural, functional, and spatial information, amino acid conservation, physicochemical variation, residue mobility, and thermodynamic stability) has been performed at Invitae for this missense variant, however the output from this modeling did not meet the statistical confidence thresholds required to predict the impact of this variant on CACNA1G protein function. In summary, the available evidence is currently insufficient to determine the role of this variant in disease. Therefore, it has been classified as a Variant of Uncertain Significance.